The following is an entry in ClinVar:

ClinVar aggregate classification (germline): Pathogenic/Likely pathogenic. Review status: criteria provided, multiple submitters, no conflicts (2 of 4 stars). 2 submissions from 2 submitters: Pathogenic (1); Likely pathogenic (1). Last evaluated 2024-02-16.

Conditions:
ADAMTS18-related disorder. Also called: ADAMTS18-related condition.
Microcornea-myopic chorioretinal atrophy. Also called: Microcornea, myopic chorioretinal atrophy, and telecanthus. Identifiers: Orphanet 369970, MedGen C3809567, MONDO:0014195, OMIM 615458.

gnomAD v4.1: 7 of 1,613,992 alleles (0.00043%); highest among the groups gnomAD compares: East Asian, 0.0022%; no homozygotes.

Submissions (2):

3billion
Classification: Pathogenic for Microcornea-myopic chorioretinal atrophy. Last evaluated: 2024-02-16. Review status: criteria provided, single submitter. Criteria: ACMG Guidelines, 2015. Collection method: clinical testing. Allele origin: germline. Affected: yes.
Comment: The variant is not observed in the gnomAD v2.1.1 dataset. Predicted Consequence/Location: Stop-gained (nonsense): predicted to result in a loss or disruption of normal protein function through nonsense-mediated decay (NMD) or protein truncation. Multiple pathogenic variants are reported downstream of the variant. Therefore, this variant is classified as Pathogenic according to the recommendation of ACMG/AMP guideline.

Blueprint Genetics
Classification: Likely pathogenic for ADAMTS18-related disorders. Last evaluated: 2023-06-12. Review status: criteria provided, single submitter. Criteria: ACMG Guidelines, 2015. Collection method: clinical testing. Allele origin: germline. Affected: yes. Observed: 2 variant alleles.

NM_199355.4(ADAMTS18):c.514C>T (p.Arg172Ter)

Gene: ADAMTS18 (ADAM metallopeptidase with thrombospondin type 1 motif 18; minus strand). Cytogenetic location: 16q23.1.
Variant type: single nucleotide variant.
Coding change: c.514C>T on transcript NM_199355.4 (MANE Select); coding-DNA position 514, C replaced by T.
Protein change: p.Arg172Ter; replaces arginine 172 with a stop codon.
Molecular consequence: nonsense. On other transcripts: 5 prime UTR variant (1).
Genome position (GRCh38, 1-based): chr16:77,367,705, G>A on the plus strand (C>T on the coding strand, the complement: ADAMTS18 is on the minus strand). VCF-style: chr16-77367705-G-A. GRCh37 (hg19) VCF-style: chr16-77401602-G-A.
Other names: c.-7C>T (NM_001326358.2); short protein forms R172*.
Identifiers: ClinVar variation 3775392 (VCV003775392.2).